The following is an entry in ClinVar:

ClinVar aggregate classification (germline): Conflicting classifications of pathogenicity. Review status: criteria provided, conflicting classifications (1 of 4 stars). 4 submissions from 4 submitters: Uncertain significance (1); Likely benign (3). Last evaluated 2026-06-24.

Conditions:
GNAT2-related disorder. Also called: GNAT2-related condition.
Achromatopsia 4 (ACHM4). Identifiers: Orphanet 49382, MedGen C1841721, MONDO:0013465, OMIM 613856.

Allele frequency attached by ClinVar (database versions not stated): gnomAD exomes 0.00003 and 0.00014; ExAC 0.00008; gnomAD 0.00008; TOPMed 0.00015; 1000 Genomes Project 30x 0.00016; 1000 Genomes Project 0.00020.
gnomAD v4.1: 55 of 1,614,010 alleles (0.0034%); highest among the groups gnomAD compares: Admixed American, 0.07%; no homozygotes.

Submissions (5):

PreventionGenetics, part of Exact Sciences
Classification: Likely benign for GNAT2-related condition. Last evaluated: 2026-06-24. Review status: criteria provided, single submitter. Criteria: ACMG Guidelines, 2015. Collection method: clinical testing. Allele origin: germline.
Comment: This variant is classified as likely benign based on ACMG/AMP sequence variant interpretation guidelines (Richards et al. 2015 PMID: 25741868, with internal and published modifications).

Labcorp Genetics (formerly Invitae), Labcorp
Classification: Likely benign. Last evaluated: 2025-03-20. Review status: criteria provided, single submitter. Criteria: Invitae Variant Classification Sherloc (09022015). Collection method: clinical testing. Allele origin: germline.

Blueprint Genetics
Classification: Likely benign. Last evaluated: 2021-12-09. Review status: criteria provided, single submitter. Criteria: ACMG Guidelines, 2015. Collection method: clinical testing. Allele origin: germline.

Illumina Laboratory Services, Illumina
Classification: Uncertain significance for Achromatopsia 4. Last evaluated: 2018-01-13. Review status: criteria provided, single submitter. Criteria: ICSL Variant Classification Criteria 13 December 2019. Collection method: clinical testing. Allele origin: germline.

Dr. Peter K. Rogan Lab, Western University
No classification provided (evidence only). Condition: Hepatocellular carcinoma. Review status: no classification provided. Collection method: in vitro. Allele origin: not applicable. Functional consequence: retained intron. Not counted in ClinVar's aggregate classification.

NM_001377295.2(GNAT2):c.609G>T (p.Gly203=)

Genes: GNAT2 (G protein subunit alpha transducin 2; minus strand), LOC129388577 (MPRA-validated peak357 silencer; plus strand). Cytogenetic location: 1p13.3.
Variant type: single nucleotide variant.
Coding change: c.609G>T on transcript NM_001377295.2 (MANE Select); coding-DNA position 609, G replaced by T.
Protein change: p.Gly203=; no amino-acid change (glycine 203 retained).
Molecular consequence: synonymous variant.
Genome position (GRCh38, 1-based): chr1:109,606,081, C>A on the plus strand (G>T on the coding strand, the complement: GNAT2 is on the minus strand). VCF-style: chr1-109606081-C-A. GRCh37 (hg19) VCF-style: chr1-110148703-C-A.
Other names: c.609G>T, p.Gly203= (NM_001379232.1, NM_005272.5).
Identifiers: ClinVar variation 291720 (VCV000291720.15), dbSNP rs551776784, ClinGen allele CA992358.